The following is an entry in ClinVar:

NM_020738.4(KIDINS220):c.4917T>A (p.Ile1639=)

Gene: KIDINS220 (kinase D interacting substrate 220; minus strand). Cytogenetic location: 2p25.1.
Variant type: single nucleotide variant.
Coding change: c.4917T>A on transcript NM_020738.4 (MANE Select); coding-DNA position 4917, T replaced by A.
Protein change: p.Ile1639=; no amino-acid change (isoleucine 1639 retained).
Molecular consequence: synonymous variant. On other transcripts: intron variant (6).
Genome position (GRCh38, 1-based): chr2:8,731,119, A>T on the plus strand (T>A on the coding strand, the complement: KIDINS220 is on the minus strand). VCF-style: chr2-8731119-A-T. GRCh37 (hg19) VCF-style: chr2-8871249-A-T.
Other names: c.4920T>A, p.Ile1640= (NM_001348729.2); c.4863T>A, p.Ile1621= (NM_001348731.2); c.4860T>A, p.Ile1620= (NM_001348732.2); c.4749T>A, p.Ile1583= (NM_001348734.2); c.4746T>A, p.Ile1582= (NM_001348735.2); c.4620T>A, p.Ile1540= (NM_001348736.2); c.3882+2325T>A (NM_001348741.2, NM_001348742.2, NM_001348743.2); c.3996+2325T>A (NM_001348738.2); and 2 more.
Identifiers: ClinVar variation 2021847 (VCV002021847.5), dbSNP rs2527395017, ClinGen allele CA425082976.

ClinVar aggregate classification (germline): Likely benign. Review status: criteria provided, multiple submitters, no conflicts (2 of 4 stars). 2 submissions from 2 submitters: Likely benign (2). Last evaluated 2024-10-08.

Conditions:
KIDINS220-related disorder. Also called: KIDINS220-related condition.

Allele frequency attached by ClinVar (database versions not stated): gnomAD exomes 0.00001.
gnomAD v4.1: 4 of 1,614,122 alleles (0.00025%); highest among the groups gnomAD compares: Non-Finnish European, 0.00034%; no homozygotes.

Submissions (2):

PreventionGenetics, part of Exact Sciences
Classification: Likely benign for KIDINS220-related condition. Last evaluated: 2024-10-08. Review status: criteria provided, single submitter. Criteria: ACMG Guidelines, 2015. Collection method: clinical testing. Allele origin: germline.
Comment: This variant is classified as likely benign based on ACMG/AMP sequence variant interpretation guidelines (Richards et al. 2015 PMID: 25741868, with internal and published modifications).

Labcorp Genetics (formerly Invitae), Labcorp
Classification: Likely benign. Last evaluated: 2022-10-04. Review status: criteria provided, single submitter. Criteria: Invitae Variant Classification Sherloc (09022015). Collection method: clinical testing. Allele origin: germline.